The following is an entry in ClinVar:

ClinVar aggregate classification (germline): Uncertain significance. Review status: criteria provided, multiple submitters, no conflicts (2 of 4 stars). 2 submissions from 2 submitters: Uncertain significance (2). Last evaluated 2025-07-15.

Conditions:
Inborn genetic diseases. Identifiers: MedGen C0950123, MeSH D030342.

gnomAD v4.1: 14 of 1,523,640 alleles (0.00092%); highest among the groups gnomAD compares: Admixed American, 0.024%; no homozygotes.

Submissions (2):

Ambry Genetics
Classification: Uncertain significance for Inborn genetic diseases. Last evaluated: 2025-07-15. Review status: criteria provided, single submitter. Criteria: Ambry Variant Classification Scheme 2023. Collection method: clinical testing. Allele origin: germline.

Labcorp Genetics (formerly Invitae), Labcorp
Classification: Uncertain significance. Last evaluated: 2024-12-10. Review status: criteria provided, single submitter. Criteria: Invitae Variant Classification Sherloc (09022015). Collection method: clinical testing. Allele origin: germline.
Comment: This sequence change replaces aspartic acid, which is acidic and polar, with tyrosine, which is neutral and polar, at codon 4 of the FOCAD protein (p.Asp4Tyr). This variant is present in population databases (rs757339586, gnomAD 0.05%). This variant has not been reported in the literature in individuals affected with FOCAD-related conditions. Experimental studies and prediction algorithms are not available or were not evaluated, and the functional significance of this variant is currently unknown. In summary, the available evidence is currently insufficient to determine the role of this variant in disease. Therefore, it has been classified as a Variant of Uncertain Significance.

NM_001375567.1(FOCAD):c.10G>T (p.Asp4Tyr)

Gene: FOCAD (focadhesin; plus strand). Cytogenetic location: 9p21.3.
Variant type: single nucleotide variant.
Coding change: c.10G>T on transcript NM_001375567.1 (MANE Select); coding-DNA position 10, G replaced by T.
Protein change: p.Asp4Tyr; replaces aspartic acid 4 with tyrosine.
Molecular consequence: missense variant.
Genome position (GRCh38, 1-based): chr9:20,715,363, G>T. VCF-style: chr9-20715363-G-T. GRCh37 (hg19) VCF-style: chr9-20715362-G-T.
Other names: c.10G>T (NM_017794.3); c.10G>T, p.Asp4Tyr (NM_001375568.1, NM_001375570.1, NM_017794.5); short protein forms D4Y.
Identifiers: ClinVar variation 3676715 (VCV003676715.3).